The following is an entry in ClinVar:

NM_003579.4(RAD54L):c.144G>T (p.Leu48=)

Gene: RAD54L (RAD54 like; plus strand). Cytogenetic location: 1p34.1.
Variant type: single nucleotide variant.
Coding change: c.144G>T on transcript NM_003579.4 (MANE Select); coding-DNA position 144, G replaced by T.
Protein change: p.Leu48=; no amino-acid change (leucine 48 retained).
Molecular consequence: synonymous variant. On other transcripts: 5 prime UTR variant (1).
Genome position (GRCh38, 1-based): chr1:46,250,053, G>T. VCF-style: chr1-46250053-G-T. GRCh37 (hg19) VCF-style: chr1-46715725-G-T.
Other names: c.144G>T, p.Leu48= (NM_001142548.2); c.-397G>T (NM_001370766.1).
Identifiers: ClinVar variation 1772914 (VCV001772914.4), dbSNP rs114069917, ClinGen allele CA834152.

ClinVar aggregate classification (germline): Likely benign. Review status: criteria provided, single submitter (1 of 4 stars). 2 submissions from 2 submitters: Likely benign (1). 1 of the submissions does not count toward it. Last evaluated 2022-02-22.

Conditions:
RAD54L-related disorder. Also called: RAD54L-related condition.

Allele frequency attached by ClinVar (database versions not stated): 1000 Genomes Project 30x 0.00016.
gnomAD v4.1: 103 of 1,614,064 alleles (0.0064%); highest among the groups gnomAD compares: African/African-American, 0.13%; no homozygotes.

Submissions (2):

Ambry Genetics
Classification: Likely benign. Last evaluated: 2022-02-22. Review status: criteria provided, single submitter. Criteria: Ambry Variant Classification Scheme 2023. Collection method: clinical testing. Allele origin: germline.

PreventionGenetics, part of Exact Sciences
Classification: Likely benign for RAD54L-related condition. Last evaluated: 2019-11-25. Review status: no assertion criteria provided. Collection method: clinical testing. Allele origin: germline. Not counted in ClinVar's aggregate classification.
Comment: This variant is classified as likely benign based on ACMG/AMP sequence variant interpretation guidelines (Richards et al. 2015 PMID: 25741868, with internal and published modifications).